The following is an entry in ClinVar:

ClinVar aggregate classification (germline): Likely pathogenic (1 of 4 stars; one submission).

Submission:

CeGaT Center for Human Genetics Tuebingen
Classification: Likely pathogenic. Last evaluated: 2022-06-01. Review status: criteria provided, single submitter. Criteria: CeGaT Center For Human Genetics Tuebingen Variant Classification Criteria Version 2. Collection method: clinical testing. Allele origin: germline. Affected: yes. Observed: 1 variant allele.
Comment: GRIN2B: PM2, PM5, PS2:Moderate, PP2

NM_000834.5(GRIN2B):c.2238C>G (p.Cys746Trp)

Gene: GRIN2B (glutamate ionotropic receptor NMDA type subunit 2B; minus strand). Cytogenetic location: 12p13.1.
Variant type: single nucleotide variant.
Coding change: c.2238C>G on transcript NM_000834.5 (MANE Select); coding-DNA position 2238, C replaced by G.
Protein change: p.Cys746Trp; replaces cysteine 746 with tryptophan.
Molecular consequence: missense variant.
Genome position (GRCh38, 1-based): chr12:13,569,951, G>C on the plus strand (C>G on the coding strand, the complement: GRIN2B is on the minus strand). VCF-style: chr12-13569951-G-C. GRCh37 (hg19) VCF-style: chr12-13722885-G-C.
Other names: short protein forms C746W.
Identifiers: ClinVar variation 1694662 (VCV001694662.31), dbSNP rs941763104, ClinGen allele CA383998217.